The following is an entry in ClinVar:

NM_001160372.4(TRAPPC9):c.151C>T (p.Arg51Ter)

Gene: TRAPPC9 (trafficking protein particle complex subunit 9; minus strand). Cytogenetic location: 8q24.3.
Variant type: single nucleotide variant.
Coding change: c.151C>T on transcript NM_001160372.4 (MANE Select); coding-DNA position 151, C replaced by T.
Protein change: p.Arg51Ter; replaces arginine 51 with a stop codon.
Molecular consequence: nonsense. On other transcripts: non-coding transcript variant (1).
Genome position (GRCh38, 1-based): chr8:140,451,223, G>A on the plus strand (C>T on the coding strand, the complement: TRAPPC9 is on the minus strand). VCF-style: chr8-140451223-G-A. GRCh37 (hg19) VCF-style: chr8-141461322-G-A.
Other names: NC_000008.10:g.141461322G>A; c.151C>T, p.Arg51Ter (NM_001321646.2, NM_001374682.1, NM_001374683.1 and 2 more transcripts); short protein forms R51*.
Identifiers: ClinVar variation 981432 (VCV000981432.3), dbSNP rs2071449158, ClinGen allele CA372319163.

ClinVar aggregate classification (germline): Pathogenic/Likely pathogenic. Review status: criteria provided, multiple submitters, no conflicts (2 of 4 stars). 2 submissions from 2 submitters: Pathogenic (1); Likely pathogenic (1). Last evaluated 2020-09-10.

Conditions:
Intellectual developmental disorder, autosomal recessive 13. Also called: Intellectual disability, autosomal recessive 13. Identifiers: Orphanet 88616, MedGen C2750791, MONDO:0013173, OMIM 613192.
Intellectual disability. Also called: Intellectual functioning disability; Intellectual developmental disorder; intellectual disabilities. Identifiers: MedGen C3714756, MeSH D008607, MONDO:0001071, HP:0001249.

Allele frequency attached by ClinVar (database versions not stated): gnomAD exomes below 0.00001.

Submissions (3):

Diagnostic Laboratory, Strasbourg University Hospital
Classification: Pathogenic for Intellectual disability. Last evaluated: 2020-09-10. Review status: criteria provided, single submitter. Criteria: ACMG Guidelines, 2015. Collection method: clinical testing. Allele origin: inherited. Affected: yes. Observed: 1 homozygote.

Baylor Genetics
Classification: Likely pathogenic for Intellectual developmental disorder, autosomal recessive 13. Last evaluated: 2019-11-15. Review status: criteria provided, single submitter. Criteria: ACMG Guidelines, 2015. Collection method: clinical testing. Allele origin: unknown. Affected: yes.
Comment: This variant was determined to be likely pathogenic according to ACMG Guidelines, 2015 [PMID:25741868].

Dr. Peter K. Rogan Lab, Western University
No classification provided (evidence only). Condition: Malignant tumor of esophagus. Review status: no classification provided. Collection method: in vitro. Allele origin: not applicable. Functional consequence: retained intron. Not counted in ClinVar's aggregate classification.